The following is an entry in ClinVar:

NM_145886.4(PIDD1):c.1025G>A (p.Arg342His)

Gene: PIDD1 (p53-induced death domain protein 1; minus strand). Cytogenetic location: 11p15.5.
Variant type: single nucleotide variant.
Coding change: c.1025G>A on transcript NM_145886.4 (MANE Select); coding-DNA position 1025, G replaced by A.
Protein change: p.Arg342His; replaces arginine 342 with histidine.
Molecular consequence: missense variant.
Genome position (GRCh38, 1-based): chr11:802,346, C>T on the plus strand (G>A on the coding strand, the complement: PIDD1 is on the minus strand). VCF-style: chr11-802346-C-T. GRCh37 (hg19) VCF-style: chr11-802346-C-T.
Other names: c.1025G>A, p.Arg342His (NM_145887.4); short protein forms R342H.
Identifiers: ClinVar variation 2209912 (VCV002209912.3), dbSNP rs375189720, ClinGen allele CA5790222.
Genomic context (GRCh38, chr11:802,346, plus strand): 5'-AGCAGCAGCCGATAGCGGATGGTGATGGGGGTGGCGGTGGCTCCCGCTGGGAACTGCAGG[C>T]GGACGCCACAGGCCAGGGTCACTGAGCAGCCTTGAGGGGTCACAGGAAAGCTGAGTGAGG-3'
Protein context (NP_665893.2, residues 332-352): GCSVTLACGV[Arg342His]LQFPAGATAT

ClinVar aggregate classification (germline): Uncertain significance. Review status: criteria provided, multiple submitters, no conflicts (2 of 4 stars). 2 submissions from 2 submitters: Uncertain significance (2). Last evaluated 2025-05-30.

Conditions:
PIDD1-related disorder. Also called: PIDD1-related condition.
Inborn genetic diseases. Identifiers: MedGen C0950123, MeSH D030342.

Allele frequency attached by ClinVar (database versions not stated): ExAC 0.00004; gnomAD 0.00005; TOPMed 0.00007; ESP Exome Variant Server 0.00008; 1000 Genomes Project 0.00020; 1000 Genomes Project 30x 0.00031.
gnomAD v4.1: 84 of 1,611,684 alleles (0.0052%); highest among the groups gnomAD compares: African/African-American, 0.011%; no homozygotes.

Submissions (2):

PreventionGenetics, part of Exact Sciences
Classification: Uncertain significance for PIDD1-related condition. Last evaluated: 2025-05-30. Review status: criteria provided, single submitter. Criteria: ACMG Guidelines, 2015. Collection method: clinical testing. Allele origin: germline.
Comment: The PIDD1 c.1025G>A variant is predicted to result in the amino acid substitution p.Arg342His. To our knowledge, this variant has not been reported in the literature. This variant is reported in 0.012% of alleles in individuals of African descent in gnomAD. At this time, the clinical significance of this variant is uncertain due to the absence of conclusive functional and genetic evidence.

Ambry Genetics
Classification: Uncertain significance for Inborn genetic diseases. Last evaluated: 2022-10-12. Review status: criteria provided, single submitter. Criteria: Ambry Variant Classification Scheme 2023. Collection method: clinical testing. Allele origin: germline.